The following is an entry in ClinVar:

NM_000492.4(CFTR):c.2989-2A>C

Genes: CFTR (CF transmembrane conductance regulator; plus strand), CFTR-AS2 (CFTR antisense RNA 2; minus strand), LOC111674472 (DNase I hypersensitive sites in introns 16 and 17a of CFTR; plus strand). Cytogenetic location: 7q31.2.
Variant type: single nucleotide variant.
Coding change: c.2989-2A>C on transcript NM_000492.4 (MANE Select); the canonical splice acceptor site of the intron before coding-DNA position 2989, A replaced by C.
Molecular consequence: splice acceptor variant.
Genome position (GRCh38, 1-based): chr7:117,610,517, A>C. VCF-style: chr7-117610517-A-C. GRCh37 (hg19) VCF-style: chr7-117250571-A-C.
Identifiers: ClinVar variation 4996258 (VCV004996258.1).

ClinVar aggregate classification (germline): Pathogenic (1 of 4 stars; one submission).

Conditions:
CFTR-related disorder (CFTR-RD). Also called: CFTR-related disorders; CFTR-related condition. Identifiers: MedGen C5924204, MONDO:7770004.

Submission:

PreventionGenetics, part of Exact Sciences
Classification: Pathogenic for CFTR-related condition. Last evaluated: 2025-11-18. Review status: criteria provided, single submitter. Criteria: ACMG Guidelines, 2015. Collection method: clinical testing. Allele origin: germline.
Comment: The CFTR c.2989-2A>C variant is predicted to disrupt the AG splice acceptor site and interfere with normal splicing. This variant has been reported in individuals with cystic fibrosis (Table 2, Petrova et al. 2020. PubMed ID: 32429104). This variant has not been reported in a large population database (gnomAD), indicating this variant is rare. Variants that disrupt the consensus splice donor site in CFTR are expected to be pathogenic. This variant is interpreted as pathogenic.